The following is an entry in ClinVar:

NM_000603.5(NOS3):c.2290C>T (p.Arg764Cys)

Gene: NOS3 (nitric oxide synthase 3; plus strand). Cytogenetic location: 7q36.1.
Variant type: single nucleotide variant.
Coding change: c.2290C>T on transcript NM_000603.5 (MANE Select); coding-DNA position 2290, C replaced by T.
Protein change: p.Arg764Cys; replaces arginine 764 with cysteine.
Molecular consequence: missense variant.
Genome position (GRCh38, 1-based): chr7:151,009,233, C>T. VCF-style: chr7-151009233-C-T. GRCh37 (hg19) VCF-style: chr7-150706321-C-T.
Other names: short protein forms R764C.
Identifiers: ClinVar variation 4990593 (VCV004990593.1).

ClinVar aggregate classification (germline): Likely benign (1 of 4 stars; one submission).

Conditions:
NOS3-related disorder. Also called: NOS3-related condition.

Submission:

PreventionGenetics, part of Exact Sciences
Classification: Likely benign for NOS3-related condition. Last evaluated: 2024-10-03. Review status: criteria provided, single submitter. Criteria: ACMG Guidelines, 2015. Collection method: clinical testing. Allele origin: germline.
Comment: This variant is classified as likely benign based on ACMG/AMP sequence variant interpretation guidelines (Richards et al. 2015 PMID: 25741868, with internal and published modifications).